The following is an entry in ClinVar:

ClinVar aggregate classification (germline): Uncertain significance (1 of 4 stars; one submission).

Conditions:
Cone-rod dystrophy 6 (CORD6). Also called: RETINAL CONE DYSTROPHY 2; Cone dystrophy progressive. Identifiers: Orphanet 1872, MedGen C1866293, MONDO:0011143, OMIM 601777.
Leber congenital amaurosis 1 (LCA1). Also called: Congenital absence of the rods and cones; Leber's congenital tapetoretinal degeneration; Leber's congenital tapetoretinal dysplasia; RETINAL BLINDNESS, CONGENITAL; AMAUROSIS CONGENITA OF LEBER I. Identifiers: Orphanet 65, MedGen C2931258, MONDO:0008764, OMIM 204000.

Allele frequency attached by ClinVar (database versions not stated): ExAC 0.00002.

Submission:

Labcorp Genetics (formerly Invitae), Labcorp
Classification: Uncertain significance for Leber congenital amaurosis 1; Cone-rod dystrophy 6. Last evaluated: 2022-08-02. Review status: criteria provided, single submitter. Criteria: Invitae Variant Classification Sherloc (09022015). Collection method: clinical testing. Allele origin: germline.
Comment: This sequence change replaces alanine, which is neutral and non-polar, with threonine, which is neutral and polar, at codon 632 of the GUCY2D protein (p.Ala632Thr). This variant is present in population databases (rs567708710, gnomAD 0.004%). This variant has not been reported in the literature in individuals affected with GUCY2D-related conditions. Algorithms developed to predict the effect of missense changes on protein structure and function output the following: SIFT: "Tolerated"; PolyPhen-2: "Benign"; Align-GVGD: "Class C0". The threonine amino acid residue is found in multiple mammalian species, which suggests that this missense change does not adversely affect protein function. In summary, the available evidence is currently insufficient to determine the role of this variant in disease. Therefore, it has been classified as a Variant of Uncertain Significance.

NM_000180.4(GUCY2D):c.1894G>A (p.Ala632Thr)

Gene: GUCY2D (guanylate cyclase 2D, retinal; plus strand). Cytogenetic location: 17p13.1.
Variant type: single nucleotide variant.
Coding change: c.1894G>A on transcript NM_000180.4 (MANE Select); coding-DNA position 1894, G replaced by A.
Protein change: p.Ala632Thr; replaces alanine 632 with threonine.
Molecular consequence: missense variant.
Genome position (GRCh38, 1-based): chr17:8,012,288, G>A. VCF-style: chr17-8012288-G-A. GRCh37 (hg19) VCF-style: chr17-7915606-G-A.
Other names: short protein forms A632T.
Identifiers: ClinVar variation 2194734 (VCV002194734.1), dbSNP rs567708710, ClinGen allele CA8365931.